The following is an entry in ClinVar:

NM_152309.3(PIK3AP1):c.2103_2104inv (p.Val702Ile)

Gene: PIK3AP1 (phosphoinositide-3-kinase adaptor protein 1; minus strand). Cytogenetic location: 10q24.1.
Variant type: Inversion.
Coding change: c.2103_2104inv on transcript NM_152309.3 (MANE Select).
Protein change: p.Val702Ile; replaces valine 702 with isoleucine.
Molecular consequence: missense variant.
Genome position: GRCh38 VCF-style: chr10-96609778-CA-TG. GRCh37 (hg19) VCF-style: chr10-98369535-CA-TG.
Other names: short protein forms V702I.
Identifiers: ClinVar variation 1496127 (VCV001496127.6), ClinGen allele CA2573145938.
Genomic context (GRCh38, chr10:96,609,778, plus strand): 5'-TGCTGGAGGTGCTGTCTGTTTTCCAGTCTCCTCGTCTCAGCTCCGTCCTAGGGGGAATGA[CA>TG]CTTTTCCTGGGGCCACTCTCATAGACTCCAAACTCCACTTTTGCAGGCAGGTGCTGTGAG-3'
Protein context (NP_689522.2, residues 692-712): GVYESGPRKS[Val702Ile]IPPRTELRRG

ClinVar aggregate classification (germline): Uncertain significance (1 of 4 stars; one submission).

Conditions:
Infantile spasms. Also called: Infantile spasm. Identifiers: MedGen C3887898, HP:0012469.

Submission:

Labcorp Genetics (formerly Invitae), Labcorp
Classification: Uncertain significance for Infantile spasms. Last evaluated: 2022-10-25. Review status: criteria provided, single submitter. Criteria: Invitae Variant Classification Sherloc (09022015). Collection method: clinical testing. Allele origin: germline.
Comment: This sequence change replaces valine, which is neutral and non-polar, with isoleucine, which is neutral and non-polar, at codon 702 of the PIK3AP1 protein (p.Val702Ile). Information on the frequency of this variant in the gnomAD database is not available, as this variant may be reported differently in the database. This variant has not been reported in the literature in individuals affected with PIK3AP1-related conditions. ClinVar contains an entry for this variant (Variation ID: 1496127). Experimental studies and prediction algorithms are not available or were not evaluated, and the functional significance of this variant is currently unknown. In summary, the available evidence is currently insufficient to determine the role of this variant in disease. Therefore, it has been classified as a Variant of Uncertain Significance.